The following is an entry in ClinVar:

ClinVar aggregate classification (germline): Uncertain significance (1 of 4 stars; one submission).

Conditions:
Hereditary cancer-predisposing syndrome. Also called: Hereditary Cancer Syndrome; Hereditary neoplastic syndrome; Neoplastic Syndromes, Hereditary; Tumor predisposition. Identifiers: Orphanet 140162, MedGen C0027672, MeSH D009386, MONDO:0015356.

Submission:

Ambry Genetics
Classification: Uncertain significance for Hereditary cancer-predisposing syndrome. Last evaluated: 2025-06-24. Review status: criteria provided, single submitter. Criteria: Ambry Variant Classification Scheme 2023. Collection method: clinical testing. Allele origin: germline.
Comment: The p.D7H variant (also known as c.19G>C), located in coding exon 1 of the FANCC gene, results from a G to C substitution at nucleotide position 19. The aspartic acid at codon 7 is replaced by histidine, an amino acid with similar properties. This amino acid position is conserved. In addition, this alteration is predicted to be tolerated by in silico analysis. Based on the available evidence, the clinical significance of this variant remains unclear.

NM_000136.3(FANCC):c.19G>C (p.Asp7His)

Gene: FANCC (FA complementation group C; minus strand). Cytogenetic location: 9q22.32.
Variant type: single nucleotide variant.
Coding change: c.19G>C on transcript NM_000136.3 (MANE Select); coding-DNA position 19, G replaced by C.
Protein change: p.Asp7His; replaces aspartic acid 7 with histidine.
Molecular consequence: missense variant.
Genome position (GRCh38, 1-based): chr9:95,249,273, C>G on the plus strand (G>C on the coding strand, the complement: FANCC is on the minus strand). VCF-style: chr9-95249273-C-G. GRCh37 (hg19) VCF-style: chr9-98011555-C-G.
Other names: c.19G>C, p.Asp7His (NM_001243743.2, NM_001243744.2); short protein forms D7H.
Identifiers: ClinVar variation 4254379 (VCV004254379.1).
Genomic context (GRCh38, chr9:95,249,273, plus strand): 5'-TGGAAGCCTGATCCCATACAGAAAGCTTCTGCATCCAAAACTGATAATCACAAGAAAGAT[C>G]TACTGAATCTTGAGCCATCTTGGAAAAAGCGAAAAGGTGATGTCCCTTCACAGCAGCCTG-3'
Protein context (NP_000127.2, residues 1-17): MAQDSV[Asp7His]LSCDYQFWMQ